The following is an entry in ClinVar:

ClinVar aggregate classification (germline): Uncertain significance (1 of 4 stars; one submission).

Submission:

Ambry Genetics
Classification: Uncertain significance. Last evaluated: 2022-11-19. Review status: criteria provided, single submitter. Criteria: Ambry Variant Classification Scheme 2023. Collection method: clinical testing. Allele origin: germline.
Comment: The p.L209S variant (also known as c.626T>C), located in coding exon 7 of the FAM175A gene, results from a T to C substitution at nucleotide position 626. The leucine at codon 209 is replaced by serine, an amino acid with dissimilar properties. This amino acid position is conserved. In addition, this alteration is predicted to be deleterious by in silico analysis. Since supporting evidence is limited at this time, the clinical significance of this alteration remains unclear.

NM_139076.3(ABRAXAS1):c.626T>C (p.Leu209Ser)

Gene: ABRAXAS1 (abraxas 1, BRCA1 A complex subunit; minus strand). Cytogenetic location: 4q21.23.
Variant type: single nucleotide variant.
Coding change: c.626T>C on transcript NM_139076.3 (MANE Select); coding-DNA position 626, T replaced by C.
Protein change: p.Leu209Ser; replaces leucine 209 with serine.
Molecular consequence: missense variant.
Genome position (GRCh38, 1-based): chr4:83,467,509, A>G on the plus strand (T>C on the coding strand, the complement: ABRAXAS1 is on the minus strand). VCF-style: chr4-83467509-A-G. GRCh37 (hg19) VCF-style: chr4-84388662-A-G.
Other names: c.299T>C, p.Leu100Ser (NM_001345962.2); short protein forms L100S, L209S.
Identifiers: ClinVar variation 2449142 (VCV002449142.2), dbSNP rs2529431419, ClinGen allele CA357258840.